The following is an entry in ClinVar:

ClinVar aggregate classification (germline): Likely benign. Review status: criteria provided, single submitter (1 of 4 stars). 2 submissions from 2 submitters: Likely benign (1). 1 of the submissions does not count toward it. Last evaluated 2024-04-01.

Conditions:
BRSK2-related disorder. Also called: BRSK2-related condition; BRSK2-Related Disorders.

Allele frequency attached by ClinVar (database versions not stated): gnomAD 0.00052; ESP Exome Variant Server 0.00092; ExAC 0.00112.
gnomAD v4.1: 977 of 1,584,384 alleles (0.062%); highest among the groups gnomAD compares: Non-Finnish European, 0.061%; no homozygotes.

Submissions (2):

CeGaT Center for Human Genetics Tuebingen
Classification: Likely benign. Last evaluated: 2024-04-01. Review status: criteria provided, single submitter. Criteria: CeGaT Center For Human Genetics Tuebingen Variant Classification Criteria Version 2. Collection method: clinical testing. Allele origin: germline. Affected: yes. Observed: 4 variant alleles.
Comment: BRSK2: BP4, BP7

PreventionGenetics, part of Exact Sciences
Classification: Benign for BRSK2-related condition. Last evaluated: 2022-02-17. Review status: no assertion criteria provided. Collection method: clinical testing. Allele origin: germline. Not counted in ClinVar's aggregate classification.
Comment: This variant is classified as benign based on ACMG/AMP sequence variant interpretation guidelines (Richards et al. 2015 PMID: 25741868, with internal and published modifications).

NM_001256627.2(BRSK2):c.1302C>T (p.Pro434=)

Gene: BRSK2 (BR serine/threonine kinase 2; plus strand). Cytogenetic location: 11p15.5.
Variant type: single nucleotide variant.
Coding change: c.1302C>T on transcript NM_001256627.2 (MANE Select); coding-DNA position 1302, C replaced by T.
Protein change: p.Pro434=; no amino-acid change (proline 434 retained).
Molecular consequence: synonymous variant. On other transcripts: non-coding transcript variant (1).
Genome position (GRCh38, 1-based): chr11:1,450,601, C>T. VCF-style: chr11-1450601-C-T. GRCh37 (hg19) VCF-style: chr11-1471831-C-T.
Other names: c.1302C>T, p.Pro434= (NM_001256629.2, NM_003957.4); c.1440C>T, p.Pro480= (NM_001256630.1); c.1122C>T, p.Pro374= (NM_001282218.2); c.1302C>T (NM_001256627.1).
Identifiers: ClinVar variation 2641335 (VCV002641335.25), dbSNP rs200437668, ClinGen allele CA5811008.